The following is an entry in ClinVar:

NM_145861.4(EDARADD):c.*417G>A

Gene: EDARADD (EDAR associated via death domain; plus strand). Cytogenetic location: 1q43.
Variant type: single nucleotide variant.
Coding change: c.*417G>A on transcript NM_145861.4 (MANE Select); 417 bases downstream of the stop codon, G replaced by A.
Molecular consequence: 3 prime UTR variant.
Genome position (GRCh38, 1-based): chr1:236,483,066, G>A. VCF-style: chr1-236483066-G-A. GRCh37 (hg19) VCF-style: chr1-236646366-G-A.
Other names: NC_000001.10:g.236646366G>A; c.*417G>A (NM_001422628.1, NM_080738.5).
Identifiers: ClinVar variation 296460 (VCV000296460.7), dbSNP rs189781826, ClinGen allele CA10609418.
Genomic context (GRCh38, chr1:236,483,066, plus strand): 5'-AGCCCCAGACATACCCACAGCATTATATGTAACATCTCTCCTGATCAGTGCCATTCCCAC[G>A]GTTTCAAAGAAAACAGCTACAAGGAATGCTTACCTGAGTGTCTGCAGCACCCTCCACTTC-3'

ClinVar aggregate classification (germline): Benign (1 of 4 stars; one submission).

Conditions:
Hypohidrotic ectodermal dysplasia (HED). Identifiers: Orphanet 238468, MedGen C5848103, MONDO:0016535, HP:0007607.

Allele frequency attached by ClinVar (database versions not stated): 1000 Genomes Project 30x 0.00328; 1000 Genomes Project 0.00319; TOPMed 0.00319; gnomAD 0.00303.
gnomAD v4.1: 1,361 of 800,064 alleles (0.17%); highest among the groups gnomAD compares: Middle Eastern, 0.99%; 5 homozygotes.

Submissions (3):

Illumina Laboratory Services, Illumina
Classification: Benign for Hypohidrotic ectodermal dysplasia. Last evaluated: 2018-01-13. Review status: criteria provided, single submitter. Criteria: ICSL Variant Classification Criteria 13 December 2019. Collection method: clinical testing. Allele origin: germline.
Comment: This variant was observed in the ICSL laboratory as part of a predisposition screen in an ostensibly healthy population. It had not been previously curated by ICSL or reported in the Human Gene Mutation Database (HGMD: prior to June 1st, 2018), and was therefore a candidate for classification through an automated scoring system. Utilizing variant allele frequency, disease prevalence and penetrance estimates, and inheritance mode, an automated score was calculated to assess if this variant is too frequent to cause the disease. Based on the score and internal cut-off values, a variant classified as benign is not then subjected to further curation. The score for this variant resulted in a classification of benign for this disease.

Dr. Peter K. Rogan Lab, Western University
No classification provided (evidence only). Condition: Lung cancer. Review status: no classification provided. Collection method: in vitro. Allele origin: not applicable. Functional consequence: retained intron. Not counted in ClinVar's aggregate classification.

Dr. Peter K. Rogan Lab, Western University
No classification provided (evidence only). Condition: Familial cancer of breast. Review status: no classification provided. Collection method: in vitro. Allele origin: not applicable. Functional consequence: retained intron. Not counted in ClinVar's aggregate classification.